The following is an entry in ClinVar:

NM_001360016.2(G6PD):c.25C>T (p.Arg9Trp)

Genes: G6PD (glucose-6-phosphate dehydrogenase; minus strand), IKBKG (inhibitor of nuclear factor kappa B kinase regulatory subunit gamma; plus strand). Cytogenetic location: Xq28.
Variant type: single nucleotide variant.
Coding change: c.25C>T on transcript NM_001360016.2 (MANE Select); coding-DNA position 25, C replaced by T.
Protein change: p.Arg9Trp; replaces arginine 9 with tryptophan.
Molecular consequence: missense variant. On other transcripts: intron variant (4).
Genome position (GRCh38, 1-based): chrX:154,546,131, G>A on the plus strand (C>T on the coding strand, the complement: G6PD is on the minus strand). VCF-style: chrX-154546131-G-A. GRCh37 (hg19) VCF-style: chrX-153774346-G-A.
Other names: c.115C>T, p.Arg39Trp (NM_000402.4); c.25C>T, p.Arg9Trp (NM_001042351.3); c.-16+4740G>A (NM_001377312.1, NM_001377313.1); c.189+3679G>A (NM_001099856.6); c.-16+3744G>A (NM_001321396.3); short protein forms R39W, R9W.
Identifiers: ClinVar variation 1722690 (VCV001722690.2), dbSNP rs1273138455, ClinGen allele CA415202546.

ClinVar aggregate classification (germline): Uncertain significance (1 of 4 stars; one submission).

Conditions:
Anemia, nonspherocytic hemolytic, due to G6PD deficiency (CNSHA1). Also called: ANEMIA, CONGENITAL, NONSPHEROCYTIC HEMOLYTIC, 1; Class I glucose-6-phosphate dehydrogenase deficiency; Favism, susceptibility to; Hemolytic anemia due to G6PD deficiency. Identifiers: Orphanet 466026, MedGen C2720289, MONDO:0010480, OMIM 300908.

Allele frequency attached by ClinVar (database versions not stated): TOPMed below 0.00001; gnomAD exomes below 0.00001; gnomAD 0.00001.
gnomAD v4.1: 3 of 1,210,484 alleles (0.00025%); highest among the groups gnomAD compares: East Asian, 0.003%; no homozygotes.

Submission:

Dunham Lab, University of Washington
Classification: Uncertain significance for Anemia, nonspherocytic hemolytic, due to G6PD deficiency. Last evaluated: 2022-08-12. Review status: criteria provided, single submitter. Criteria: Bayesian ACMG Guidelines, 2018. Collection method: curation. Allele origin: unknown. Affected: yes.
Comment: Below expected carrier frequency in gnomAD (PM2). Post_P 0.500 (odds of pathogenicity 9.01, Prior_P 0.1).

Literature cited by the submitters: PubMed 21446359.